The following is an entry in ClinVar:

NM_004655.4(AXIN2):c.1684C>A (p.Pro562Thr)

Gene: AXIN2 (axin 2; minus strand). Cytogenetic location: 17q24.1.
Variant type: single nucleotide variant.
Coding change: c.1684C>A on transcript NM_004655.4 (MANE Select); coding-DNA position 1684, C replaced by A.
Protein change: p.Pro562Thr; replaces proline 562 with threonine.
Molecular consequence: missense variant.
Genome position (GRCh38, 1-based): chr17:65,537,352, G>T on the plus strand (C>A on the coding strand, the complement: AXIN2 is on the minus strand). VCF-style: chr17-65537352-G-T. GRCh37 (hg19) VCF-style: chr17-63533470-G-T.
Other names: c.1684C>A, p.Pro562Thr (NM_001363813.1); short protein forms P562T.
Identifiers: ClinVar variation 972243 (VCV000972243.11), dbSNP rs1461001184, ClinGen allele CA400676843.

ClinVar aggregate classification (germline): Uncertain significance. Review status: criteria provided, multiple submitters, no conflicts (2 of 4 stars). 2 submissions from 2 submitters: Uncertain significance (2). Last evaluated 2025-02-26.

Conditions:
Hereditary cancer-predisposing syndrome. Also called: Hereditary Cancer Syndrome; Hereditary neoplastic syndrome; Tumor predisposition; Neoplastic Syndromes, Hereditary. Identifiers: Orphanet 140162, MedGen C0027672, MeSH D009386, MONDO:0015356.
Oligodontia-cancer predisposition syndrome. Also called: TOOTH AGENESIS-COLORECTAL CANCER SYNDROME. Identifiers: Orphanet 300576, MedGen C1837750, MONDO:0012075, OMIM 608615. Disease mechanism: loss of function.

gnomAD v4.1: 1 of 1,614,142 alleles (0.000062%); highest among the groups gnomAD compares: Non-Finnish European, 0.000085%; no homozygotes.

Submissions (2):

Labcorp Genetics (formerly Invitae), Labcorp
Classification: Uncertain significance for Oligodontia-cancer predisposition syndrome. Last evaluated: 2025-02-26. Review status: criteria provided, single submitter. Criteria: Invitae Variant Classification Sherloc (09022015). Collection method: clinical testing. Allele origin: germline.
Comment: This sequence change replaces proline, which is neutral and non-polar, with threonine, which is neutral and polar, at codon 562 of the AXIN2 protein (p.Pro562Thr). This variant is not present in population databases (gnomAD no frequency). This variant has not been reported in the literature in individuals affected with AXIN2-related conditions. ClinVar contains an entry for this variant (Variation ID: 972243). Invitae Evidence Modeling of protein sequence and biophysical properties (such as structural, functional, and spatial information, amino acid conservation, physicochemical variation, residue mobility, and thermodynamic stability) indicates that this missense variant is not expected to disrupt AXIN2 protein function with a negative predictive value of 80%. In summary, the available evidence is currently insufficient to determine the role of this variant in disease. Therefore, it has been classified as a Variant of Uncertain Significance.

Ambry Genetics
Classification: Uncertain significance for Hereditary cancer-predisposing syndrome. Last evaluated: 2024-07-24. Review status: criteria provided, single submitter. Criteria: Ambry Variant Classification Scheme 2023. Collection method: clinical testing. Allele origin: germline.
Comment: The p.P562T variant (also known as c.1684C>A), located in coding exon 5 of the AXIN2 gene, results from a C to A substitution at nucleotide position 1684. The proline at codon 562 is replaced by threonine, an amino acid with highly similar properties. This amino acid position is conserved. In addition, this alteration is predicted to be tolerated by in silico analysis. Based on the available evidence, the clinical significance of this variant remains unclear.